The following is an entry in ClinVar:

NM_000550.3(TYRP1):c.*123C>A

Genes: TYRP1 (tyrosinase related protein 1; plus strand), LURAP1L-AS1 (LURAP1L antisense RNA 1; minus strand). Cytogenetic location: 9p23.
Variant type: single nucleotide variant.
Coding change: c.*123C>A on transcript NM_000550.3 (MANE Select); 123 bases downstream of the stop codon, C replaced by A.
Molecular consequence: 3 prime UTR variant.
Genome position (GRCh38, 1-based): chr9:12,709,305, C>A. VCF-style: chr9-12709305-C-A. GRCh37 (hg19) VCF-style: chr9-12709305-C-A.
Identifiers: ClinVar variation 364861 (VCV000364861.6), dbSNP rs683, ClinGen allele CA10632558.
Genomic context (GRCh38, chr9:12,709,305, plus strand): 5'-AGTTATTAACTGTATTTTCTTTCACTTTATTACCTTCTTTCTAATACAAGCATATGTTAG[C>A]ATTAAAGTTCTAGGCATACTTTTCAAAGCTGGGAAGACCCTTTCAGAATCTTTTCAATGG-3'

ClinVar aggregate classification (germline): Benign. Review status: criteria provided, multiple submitters, no conflicts (2 of 4 stars). 2 submissions from 2 submitters: Benign (2). Last evaluated 2018-01-12.

Conditions:
Oculocutaneous albinism type 3 (OCA3). Also called: ALBINISM III; RUFOUS OCULOCUTANEOUS ALBINISM; XANTHISM; Albinism, oculocutaneous, type III; Rufous OCA; Rufous albinism. Identifiers: Orphanet 79433, MedGen C0342683, MONDO:0008747, OMIM 203290.

Allele frequency attached by ClinVar (database versions not stated): 1000 Genomes Project 0.25200; 1000 Genomes Project 30x 0.25500; TOPMed 0.43858; gnomAD 0.46870 and 0.48015; gnomAD exomes 0.57667.
gnomAD v4.1: 578,242 of 1,033,830 alleles (56%); highest among the groups gnomAD compares: Non-Finnish European, 66%; 181,164 homozygotes.

Submissions (2):

Illumina Laboratory Services, Illumina
Classification: Benign for Oculocutaneous albinism type 3. Last evaluated: 2018-01-12. Review status: criteria provided, single submitter. Criteria: ICSL Variant Classification Criteria 13 December 2019. Collection method: clinical testing. Allele origin: germline.
Comment: This variant was observed in the ICSL laboratory as part of a predisposition screen in an ostensibly healthy population. It had not been previously curated by ICSL or reported in the Human Gene Mutation Database (HGMD: prior to June 1st, 2018), and was therefore a candidate for classification through an automated scoring system. Utilizing variant allele frequency, disease prevalence and penetrance estimates, and inheritance mode, an automated score was calculated to assess if this variant is too frequent to cause the disease. Based on the score and internal cut-off values, a variant classified as benign is not then subjected to further curation. The score for this variant resulted in a classification of benign for this disease.

Breakthrough Genomics
Classification: Benign. Review status: criteria provided, single submitter. Criteria: ACMG Guidelines, 2015. Collection method: not provided. Allele origin: germline. Inheritance: Autosomal recessive inheritance. Affected: yes.